The following is an entry in ClinVar:

ClinVar aggregate classification (germline): Uncertain significance (1 of 4 stars; one submission).

Conditions:
Hereditary cancer-predisposing syndrome. Also called: Tumor predisposition; Hereditary neoplastic syndrome; Hereditary Cancer Syndrome; Neoplastic Syndromes, Hereditary. Identifiers: Orphanet 140162, MedGen C0027672, MeSH D009386, MONDO:0015356.

Submission:

Ambry Genetics
Classification: Uncertain significance for Hereditary cancer-predisposing syndrome. Last evaluated: 2025-06-13. Review status: criteria provided, single submitter. Criteria: Ambry Variant Classification Scheme 2023. Collection method: clinical testing. Allele origin: germline.
Comment: The p.D2134H variant (also known as c.6400G>C), located in coding exon 46 of the POLE gene, results from a G to C substitution at nucleotide position 6400. The aspartic acid at codon 2134 is replaced by histidine, an amino acid with similar properties. This amino acid position is conserved. In addition, this alteration is predicted to be tolerated by in silico analysis. Based on the available evidence, the clinical significance of this variant remains unclear.

NM_006231.4(POLE):c.6400G>C (p.Asp2134His)

Gene: POLE (DNA polymerase epsilon, catalytic subunit; minus strand). Cytogenetic location: 12q24.33.
Variant type: single nucleotide variant.
Coding change: c.6400G>C on transcript NM_006231.4 (MANE Select); coding-DNA position 6400, G replaced by C.
Protein change: p.Asp2134His; replaces aspartic acid 2134 with histidine.
Molecular consequence: missense variant.
Genome position (GRCh38, 1-based): chr12:132,626,248, C>G on the plus strand (G>C on the coding strand, the complement: POLE is on the minus strand). VCF-style: chr12-132626248-C-G. GRCh37 (hg19) VCF-style: chr12-133202834-C-G.
Other names: short protein forms D2134H.
Identifiers: ClinVar variation 3935796 (VCV003935796.1).